The following is an entry in ClinVar:

ClinVar aggregate classification (germline): Uncertain significance. Review status: criteria provided, multiple submitters, no conflicts (2 of 4 stars). 2 submissions from 2 submitters: Uncertain significance (2). Last evaluated 2025-07-14.

Conditions:
Hereditary nonpolyposis colorectal neoplasms. Identifiers: MedGen C0009405, MeSH D003123.
Hereditary cancer-predisposing syndrome. Also called: Hereditary Cancer Syndrome; Neoplastic Syndromes, Hereditary; Tumor predisposition; Hereditary neoplastic syndrome. Identifiers: Orphanet 140162, MedGen C0027672, MeSH D009386, MONDO:0015356.

Submissions (2):

Labcorp Genetics (formerly Invitae), Labcorp
Classification: Uncertain significance for Hereditary nonpolyposis colorectal neoplasms. Last evaluated: 2025-07-14. Review status: criteria provided, single submitter. Criteria: Invitae Variant Classification Sherloc (09022015). Collection method: clinical testing. Allele origin: germline.
Comment: This sequence change replaces threonine, which is neutral and polar, with serine, which is neutral and polar, at codon 849 of the PMS2 protein (p.Thr849Ser). The frequency data for this variant in the population databases (gnomAD) is considered unreliable due to the presence of homologous sequence, such as pseudogenes or paralogs, in the genome. This variant has not been reported in the literature in individuals affected with PMS2-related conditions. ClinVar contains an entry for this variant (Variation ID: 1022988). Invitae Evidence Modeling incorporating data from in vitro experimental studies (internal data) indicates that this missense variant is not expected to disrupt PMS2 function with a negative predictive value of 95%. In summary, the available evidence is currently insufficient to determine the role of this variant in disease. Therefore, it has been classified as a Variant of Uncertain Significance.

Ambry Genetics
Classification: Uncertain significance for Hereditary cancer-predisposing syndrome. Last evaluated: 2023-09-22. Review status: criteria provided, single submitter. Criteria: Ambry Variant Classification Scheme 2023. Collection method: clinical testing. Allele origin: germline.
Comment: The p.T849S variant (also known as c.2546C>G), located in coding exon 15 of the PMS2 gene, results from a C to G substitution at nucleotide position 2546. The threonine at codon 849 is replaced by serine, an amino acid with similar properties. This amino acid position is conserved. In addition, this alteration is predicted to be deleterious by in silico analysis. Since supporting evidence is limited at this time, the clinical significance of this alteration remains unclear.

NM_000535.7(PMS2):c.2546C>G (p.Thr849Ser)

Gene: PMS2 (PMS1 homolog 2, mismatch repair system component; minus strand). Cytogenetic location: 7p22.1.
Variant type: single nucleotide variant.
Coding change: c.2546C>G on transcript NM_000535.7 (MANE Select); coding-DNA position 2546, C replaced by G.
Protein change: p.Thr849Ser; replaces threonine 849 with serine.
Molecular consequence: missense variant. On other transcripts: non-coding transcript variant (1).
Genome position (GRCh38, 1-based): chr7:5,973,442, G>C on the plus strand (C>G on the coding strand, the complement: PMS2 is on the minus strand). VCF-style: chr7-5973442-G-C. GRCh37 (hg19) VCF-style: chr7-6013073-G-C.
Other names: c.2141C>G, p.Thr714Ser (NM_001322003.2, NM_001322004.2, NM_001322005.2); c.2390C>G, p.Thr797Ser (NM_001322006.2); c.2228C>G, p.Thr743Ser (NM_001322007.2, NM_001322008.2); c.2174C>G, p.Thr725Ser (NM_001322009.2); c.1985C>G, p.Thr662Ser (NM_001322010.2); c.1613C>G, p.Thr538Ser (NM_001322011.2, NM_001322012.2); c.1973C>G, p.Thr658Ser (NM_001322013.2); c.2579C>G, p.Thr860Ser (NM_001322014.2); and 2 more; short protein forms T538S, T658S, T662S, T714S, T725S, T743S, T746S, T797S.
Identifiers: ClinVar variation 1022988 (VCV001022988.11), dbSNP rs876660627, ClinGen allele CA366734822.